The following is an entry in ClinVar:

ClinVar aggregate classification (germline): Uncertain significance. Review status: criteria provided, multiple submitters, no conflicts (2 of 4 stars). 2 submissions from 2 submitters: Uncertain significance (2). Last evaluated 2026-04-23.

Conditions:
Hereditary cancer-predisposing syndrome. Also called: Hereditary Cancer Syndrome; Neoplastic Syndromes, Hereditary; Hereditary neoplastic syndrome; Tumor predisposition. Identifiers: Orphanet 140162, MedGen C0027672, MeSH D009386, MONDO:0015356.

Submissions (2):

Ambry Genetics
Classification: Uncertain significance for Hereditary cancer-predisposing syndrome. Last evaluated: 2026-04-23. Review status: criteria provided, single submitter. Criteria: Ambry Variant Classification Scheme 2023. Collection method: clinical testing. Allele origin: germline.
Comment: The p.S378C variant (also known as c.1132A>T), located in coding exon 9 of the STK11 gene, results from an A to T substitution at nucleotide position 1132. The serine at codon 378 is replaced by cysteine, an amino acid with dissimilar properties. This amino acid position is conserved. In addition, this alteration is predicted to be tolerated by in silico analysis. Based on the available evidence, the clinical significance of this variant remains unclear.

Sema4
Classification: Uncertain significance for Hereditary cancer-predisposing syndrome. Last evaluated: 2021-10-29. Review status: criteria provided, single submitter. Criteria: Sema4 Curation Guidelines. Collection method: curation. Allele origin: germline.
Comment: The STK11 c.1132A>T (p.S378C) variant has not been reported in the literature to our knowledge. This variant was not observed in the large and broad cohorts of the Genome Aggregation Database (PMID: 32461654). This variant has not been reported in ClinVar. Functional studies have not been performed, and in silico predictions of the variant's effect on protein function are inconclusive. Based on the current evidence available, this variant is interpreted as a variant of uncertain significance.

NM_000455.5(STK11):c.1132A>T (p.Ser378Cys)

Gene: STK11 (serine/threonine kinase 11; plus strand). Cytogenetic location: 19p13.3.
Variant type: single nucleotide variant.
Coding change: c.1132A>T on transcript NM_000455.5 (MANE Select); coding-DNA position 1132, A replaced by T.
Protein change: p.Ser378Cys; replaces serine 378 with cysteine.
Molecular consequence: missense variant.
Genome position (GRCh38, 1-based): chr19:1,226,477, A>T. VCF-style: chr19-1226477-A-T. GRCh37 (hg19) VCF-style: chr19-1226476-A-T.
Other names: short protein forms S378C.
Identifiers: ClinVar variation 1692438 (VCV001692438.3), dbSNP rs2145435894, ClinGen allele CA402953241.
Genomic context (GRCh38, chr19:1,226,477, plus strand): 5'-CCCTCAGCTCAGGCCACACTTGCCGTCTCCCTCCCAGGACAGGTCCCAGAAGAGGAGGCC[A>T]GTCACAATGGACAGCGCCGGGGCCTCCCCAAGGCCGTGTGTATGAACGGCACAGAGGCGG-3'
Protein context (NP_000446.1, residues 368-388): VPGQVPEEEA[Ser378Cys]HNGQRRGLPK